The following is an entry in ClinVar:

NM_001367624.2(ZNF469):c.7486C>T (p.Arg2496Trp)

Gene: ZNF469 (zinc finger protein 469; plus strand). Cytogenetic location: 16q24.2.
Variant type: single nucleotide variant.
Coding change: c.7486C>T on transcript NM_001367624.2 (MANE Select); coding-DNA position 7486, C replaced by T.
Protein change: p.Arg2496Trp; replaces arginine 2496 with tryptophan.
Molecular consequence: missense variant.
Genome position (GRCh38, 1-based): chr16:88,434,956, C>T. VCF-style: chr16-88434956-C-T. GRCh37 (hg19) VCF-style: chr16-88501364-C-T.
Other names: NM_001127464.1:c.7402C>T; short protein forms R2496W.
Identifiers: ClinVar variation 1758750 (VCV001758750.2), dbSNP rs749010605, ClinGen allele CA8225249.
Genomic context (GRCh38, chr16:88,434,956, plus strand): 5'-GTCTGCGCAGCCTCCTTCCGCTCCGGGCCGGGCCTGAGCCGGCACAAGGCCAGGAAGCAC[C>T]GGCCACACCCGGGAGCCCCCGCGGAGCCGAGCCCAGCGGCCTTGCCTGCTCAGCAGCCTC-3'
Protein context (NP_001354553.1, residues 2486-2506): GLSRHKARKH[Arg2496Trp]PHPGAPAEPS

ClinVar aggregate classification (germline): Uncertain significance (1 of 4 stars; one submission).

Conditions:
Cardiovascular phenotype. Identifiers: MedGen CN230736.

Allele frequency attached by ClinVar (database versions not stated): TOPMed 0.00002; gnomAD 0.00003; ExAC 0.00007.
gnomAD v4.1: 15 of 1,549,732 alleles (0.00097%); highest among the groups gnomAD compares: South Asian, 0.0083%; no homozygotes.

Submission:

Ambry Genetics
Classification: Uncertain significance for Cardiovascular phenotype. Last evaluated: 2022-06-06. Review status: criteria provided, single submitter. Criteria: Ambry Variant Classification Scheme 2023. Collection method: clinical testing. Allele origin: germline.
Comment: The p.R2468W variant (also known as c.7402C>T), located in coding exon 2 of the ZNF469 gene, results from a C to T substitution at nucleotide position 7402. The arginine at codon 2468 is replaced by tryptophan, an amino acid with dissimilar properties. This amino acid position is conserved. In addition, this alteration is predicted to be tolerated by in silico analysis. Since supporting evidence is limited at this time, the clinical significance of this alteration remains unclear.